The following is an entry in ClinVar:

ClinVar aggregate classification (germline): Uncertain significance (1 of 4 stars; one submission).

Conditions:
Inborn genetic diseases. Identifiers: MedGen C0950123, MeSH D030342.

Submission:

Ambry Genetics
Classification: Uncertain significance for Inborn genetic diseases. Last evaluated: 2024-12-10. Review status: criteria provided, single submitter. Criteria: Ambry Variant Classification Scheme 2023. Collection method: clinical testing. Allele origin: germline.
Comment: The p.E1675D variant (also known as c.5025G>C), located in coding exon 20 of the FANCM gene, results from a G to C substitution at nucleotide position 5025. The glutamic acid at codon 1675 is replaced by aspartic acid, an amino acid with highly similar properties. This amino acid position is conserved. In addition, this alteration is predicted to be tolerated by in silico analysis. Based on the available evidence, the clinical significance of this variant remains unclear.

NM_020937.4(FANCM):c.5025G>C (p.Glu1675Asp)

Gene: FANCM (FA complementation group M; plus strand). Cytogenetic location: 14q21.2.
Variant type: single nucleotide variant.
Coding change: c.5025G>C on transcript NM_020937.4 (MANE Select); coding-DNA position 5025, G replaced by C.
Protein change: p.Glu1675Asp; replaces glutamic acid 1675 with aspartic acid.
Molecular consequence: missense variant.
Genome position (GRCh38, 1-based): chr14:45,189,047, G>C. VCF-style: chr14-45189047-G-C. GRCh37 (hg19) VCF-style: chr14-45658250-G-C.
Other names: c.4947G>C, p.Glu1649Asp (NM_001308133.2); short protein forms E1649D, E1675D.
Identifiers: ClinVar variation 3513000 (VCV003513000.1).